The following is an entry in ClinVar:

ClinVar aggregate classification (germline): Uncertain significance (1 of 4 stars; one submission).

gnomAD v4.1: 1 of 1,164,348 alleles (0.000086%); highest among the groups gnomAD compares: African/African-American, 0.0018%; no homozygotes.

Submission:

GeneDx
Classification: Uncertain significance. Last evaluated: 2024-01-08. Review status: criteria provided, single submitter. Criteria: GeneDx Variant Classification Process June 2021. Collection method: clinical testing. Allele origin: germline. Affected: yes.
Comment: Not observed at significant frequency in large population cohorts (gnomAD); In silico analysis supports that this missense variant does not alter protein structure/function; Has not been previously published as pathogenic or benign to our knowledge

NM_014009.4(FOXP3):c.217A>G (p.Thr73Ala)

Gene: FOXP3 (forkhead box P3; minus strand). Cytogenetic location: Xp11.23.
Variant type: single nucleotide variant.
Coding change: c.217A>G on transcript NM_014009.4 (MANE Select); coding-DNA position 217, A replaced by G.
Protein change: p.Thr73Ala; replaces threonine 73 with alanine.
Molecular consequence: missense variant. On other transcripts: intron variant (1).
Genome position (GRCh38, 1-based): chrX:49,257,762, T>C on the plus strand (A>G on the coding strand, the complement: FOXP3 is on the minus strand). VCF-style: chrX-49257762-T-C. GRCh37 (hg19) VCF-style: chrX-49114219-T-C.
Other names: c.211-197A>G (NM_001114377.2); short protein forms T73A.
Identifiers: ClinVar variation 3367588 (VCV003367588.1).